The following is an entry in ClinVar:

ClinVar aggregate classification (germline): Uncertain significance. Review status: criteria provided, multiple submitters, no conflicts (2 of 4 stars). 3 submissions from 3 submitters: Uncertain significance (3). Last evaluated 2025-04-27.

Conditions:
Hereditary cancer-predisposing syndrome. Also called: Hereditary Cancer Syndrome; Tumor predisposition; Neoplastic Syndromes, Hereditary; Hereditary neoplastic syndrome. Identifiers: Orphanet 140162, MedGen C0027672, MeSH D009386, MONDO:0015356.
Ataxia-telangiectasia syndrome (AT). Also called: Ataxia-telangiectasia, complementation group E; Cerebello-oculocutaneous telangiectasia; Immunodeficiency with ataxia telangiectasia; Ataxia-telangiectasia, complementation group D; AT, COMPLEMENTATION GROUP C; ATAXIA-TELANGIECTASIA, COMPLEMENTATION GROUP A. Identifiers: Orphanet 100, MedGen C0004135, MONDO:0008840, OMIM 208900.
ATM-related cancer predisposition. Also called: ATM-related cancer susceptibility. Identifiers: MedGen CN377759, MONDO:0700270.

Allele frequency attached by ClinVar (database versions not stated): gnomAD 0.00001; 1000 Genomes Project 30x 0.00031; gnomAD exomes below 0.00001; 1000 Genomes Project 0.00020; ExAC 0.00001.

Submissions (3):

Labcorp Genetics (formerly Invitae), Labcorp
Classification: Uncertain significance for Ataxia-telangiectasia syndrome. Last evaluated: 2025-04-27. Review status: criteria provided, single submitter. Criteria: Invitae Variant Classification Sherloc (09022015). Collection method: clinical testing. Allele origin: germline.
Comment: This sequence change replaces methionine, which is neutral and non-polar, with threonine, which is neutral and polar, at codon 1210 of the ATM protein (p.Met1210Thr). This variant is not present in population databases (gnomAD no frequency). This variant has not been reported in the literature in individuals affected with ATM-related conditions. ClinVar contains an entry for this variant (Variation ID: 966131). Invitae Evidence Modeling of protein sequence and biophysical properties (such as structural, functional, and spatial information, amino acid conservation, physicochemical variation, residue mobility, and thermodynamic stability) indicates that this missense variant is not expected to disrupt ATM protein function with a negative predictive value of 95%. In summary, the available evidence is currently insufficient to determine the role of this variant in disease. Therefore, it has been classified as a Variant of Uncertain Significance.

Department of Pathology and Laboratory Medicine, Sinai Health System
Classification: Uncertain significance for ATM-related cancer predisposition. Last evaluated: 2024-12-16. Review status: criteria provided, single submitter. Criteria: ACMG Guidelines, 2015. Collection method: clinical testing. Allele origin: germline.

Ambry Genetics
Classification: Uncertain significance for Hereditary cancer-predisposing syndrome. Last evaluated: 2024-03-10. Review status: criteria provided, single submitter. Criteria: Ambry Variant Classification Scheme 2023. Collection method: clinical testing. Allele origin: germline.
Comment: The p.M1210T variant (also known as c.3629T>C), located in coding exon 24 of the ATM gene, results from a T to C substitution at nucleotide position 3629. The methionine at codon 1210 is replaced by threonine, an amino acid with similar properties. This alteration has been reported in at least one subject in a study of 13087 breast cancer cases and 5488 control individuals in the UK (Decker B et al. J. Med. Genet., 2017 11;54:732-741). This amino acid position is well conserved in available vertebrate species. In addition, this alteration is predicted to be deleterious by in silico analysis. Since supporting evidence is limited at this time, the clinical significance of this alteration remains unclear.

Literature cited by the submitters: PubMed 28779002 (cited by Department of Pathology and Laboratory Medicine, Sinai Health System and Ambry Genetics).

NM_000051.4(ATM):c.3629T>C (p.Met1210Thr)

Gene: ATM (ATM serine/threonine kinase; plus strand). Cytogenetic location: 11q22.3.
Variant type: single nucleotide variant.
Coding change: c.3629T>C on transcript NM_000051.4 (MANE Select); coding-DNA position 3629, T replaced by C.
Protein change: p.Met1210Thr; replaces methionine 1210 with threonine.
Molecular consequence: missense variant.
Genome position (GRCh38, 1-based): chr11:108,282,762, T>C. VCF-style: chr11-108282762-T-C. GRCh37 (hg19) VCF-style: chr11-108153489-T-C.
Other names: c.3629T>C, p.Met1210Thr (NM_001351834.2); short protein forms M1210T.
Identifiers: ClinVar variation 966131 (VCV000966131.11), dbSNP rs192572042, ClinGen allele CA6265327.